The following is an entry in ClinVar:

ClinVar aggregate classification (germline): Uncertain significance (1 of 4 stars; one submission).

Conditions:
Rubinstein-Taybi syndrome (RSTS). Identifiers: Orphanet 783, MedGen C0035934, MONDO:0019188.

Allele frequency attached by ClinVar (database versions not stated): gnomAD exomes below 0.00001.
gnomAD v4.1: 2 of 1,614,024 alleles (0.00012%); highest among the groups gnomAD compares: Non-Finnish European, 0.00017%; no homozygotes.

Submission:

Labcorp Genetics (formerly Invitae), Labcorp
Classification: Uncertain significance for Rubinstein-Taybi syndrome. Last evaluated: 2022-10-26. Review status: criteria provided, single submitter. Criteria: Invitae Variant Classification Sherloc (09022015). Collection method: clinical testing. Allele origin: germline.
Comment: In summary, the available evidence is currently insufficient to determine the role of this variant in disease. Therefore, it has been classified as a Variant of Uncertain Significance. This sequence change replaces proline, which is neutral and non-polar, with alanine, which is neutral and non-polar, at codon 1045 of the CREBBP protein (p.Pro1045Ala). This variant is not present in population databases (gnomAD no frequency). This variant has not been reported in the literature in individuals affected with CREBBP-related conditions. Advanced modeling of protein sequence and biophysical properties (such as structural, functional, and spatial information, amino acid conservation, physicochemical variation, residue mobility, and thermodynamic stability) performed at Invitae indicates that this missense variant is not expected to disrupt CREBBP protein function.

NM_004380.3(CREBBP):c.3133C>G (p.Pro1045Ala)

Gene: CREBBP (CREB binding lysine acetyltransferase; minus strand). Cytogenetic location: 16p13.3.
Variant type: single nucleotide variant.
Coding change: c.3133C>G on transcript NM_004380.3 (MANE Select); coding-DNA position 3133, C replaced by G.
Protein change: p.Pro1045Ala; replaces proline 1045 with alanine.
Molecular consequence: missense variant.
Genome position (GRCh38, 1-based): chr16:3,767,837, G>C on the plus strand (C>G on the coding strand, the complement: CREBBP is on the minus strand). VCF-style: chr16-3767837-G-C. GRCh37 (hg19) VCF-style: chr16-3817838-G-C.
Other names: c.3019C>G, p.Pro1007Ala (NM_001079846.1); short protein forms P1007A, P1045A.
Identifiers: ClinVar variation 1928940 (VCV001928940.5), dbSNP rs2141182872, ClinGen allele CA394570842.